The following is an entry in ClinVar:

NM_020778.5(ALPK3):c.674G>C (p.Arg225Pro)

Gene: ALPK3 (alpha kinase 3; plus strand). Cytogenetic location: 15q25.3.
Variant type: single nucleotide variant.
Coding change: c.674G>C on transcript NM_020778.5 (MANE Select); coding-DNA position 674, G replaced by C.
Protein change: p.Arg225Pro; replaces arginine 225 with proline.
Molecular consequence: missense variant.
Genome position (GRCh38, 1-based): chr15:84,839,953, G>C. VCF-style: chr15-84839953-G-C. GRCh37 (hg19) VCF-style: chr15-85383184-G-C.
Other names: short protein forms R225P.
Identifiers: ClinVar variation 4767159 (VCV004767159.1).

ClinVar aggregate classification (germline): Uncertain significance (1 of 4 stars; one submission).

gnomAD v4.1: 3 of 1,613,494 alleles (0.00019%); highest among the groups gnomAD compares: Non-Finnish European, 0.00025%; no homozygotes.

Submission:

Labcorp Genetics (formerly Invitae), Labcorp
Classification: Uncertain significance. Last evaluated: 2025-07-29. Review status: criteria provided, single submitter. Criteria: Invitae Variant Classification Sherloc (09022015). Collection method: clinical testing. Allele origin: germline.
Comment: This sequence change replaces arginine, which is basic and polar, with proline, which is neutral and non-polar, at codon 427 of the ALPK3 protein (p.Arg427Pro). This variant is present in population databases (no rsID available, gnomAD 0.0009%). This variant has not been reported in the literature in individuals affected with ALPK3-related conditions. Invitae Evidence Modeling of protein sequence and biophysical properties (such as structural, functional, and spatial information, amino acid conservation, physicochemical variation, residue mobility, and thermodynamic stability) indicates that this missense variant is expected to disrupt ALPK3 protein function with a positive predictive value of 80%. In summary, the available evidence is currently insufficient to determine the role of this variant in disease. Therefore, it has been classified as a Variant of Uncertain Significance.